The following is an entry in ClinVar:

NM_000393.5(COL5A2):c.4171C>T (p.Arg1391Cys)

Gene: COL5A2 (collagen type V alpha 2 chain; minus strand). Cytogenetic location: 2q32.2.
Variant type: single nucleotide variant.
Coding change: c.4171C>T on transcript NM_000393.5 (MANE Select); coding-DNA position 4171, C replaced by T.
Protein change: p.Arg1391Cys; replaces arginine 1391 with cysteine.
Molecular consequence: missense variant.
Genome position (GRCh38, 1-based): chr2:189,035,098, G>A on the plus strand (C>T on the coding strand, the complement: COL5A2 is on the minus strand). VCF-style: chr2-189035098-G-A. GRCh37 (hg19) VCF-style: chr2-189899824-G-A.
Other names: c.4171C>T (NM_000393.3); short protein forms R1391C.
Identifiers: ClinVar variation 3628483 (VCV003628483.4).
Genomic context (GRCh38, chr2:189,035,098, plus strand): 5'-ATCCTACACTGTTTTTACAGATGTAAGTGATGTTCTGGGAGGCTTCTTTTGATAAAAGGC[G>A]CAAAAAAGTCATCTGAGTAATGGCTGTATTAGGTGATTGGTGGTCTCCATAAGCGAACTA-3'
Protein context (NP_000384.2, residues 1381-1401): NTAITQMTFL[Arg1391Cys]LLSKEASQNI

ClinVar aggregate classification (germline): Uncertain significance. Review status: criteria provided, multiple submitters, no conflicts (2 of 4 stars). 3 submissions from 3 submitters: Uncertain significance (3). Last evaluated 2026-09-14.

Conditions:
Ehlers-Danlos syndrome, classic type, 1 (EDSCL1). Also called: Ehlers-Danlos Syndrome, Classic Type, COL5A1-Related; EHLERS-DANLOS SYNDROME, GRAVIS TYPE; EHLERS-DANLOS SYNDROME, SEVERE CLASSIC TYPE; EDS I; Ehlers-Danlos syndrome, type 1. Identifiers: MedGen C0268335, MONDO:0019567, OMIM 130000.
Familial thoracic aortic aneurysm and aortic dissection (TAAD). Also called: Thoracic aortic aneurysms and dissections. Identifiers: Orphanet 91387, MedGen C4707243, MONDO:0019625.

gnomAD v4.1: 11 of 1,613,634 alleles (0.00068%); highest among the groups gnomAD compares: African/African-American, 0.0013%; no homozygotes.

Submissions (3):

Ambry Genetics
Classification: Uncertain significance for Familial thoracic aortic aneurysm and aortic dissection. Last evaluated: 2026-09-14. Review status: criteria provided, single submitter. Criteria: Ambry Variant Classification Scheme 2023. Collection method: clinical testing. Allele origin: germline.
Comment: The p.R1391C variant (also known as c.4171C>T), located in coding exon 53 of the COL5A2 gene, results from a C to T substitution at nucleotide position 4171. The arginine at codon 1391 is replaced by cysteine, an amino acid with highly dissimilar properties. This amino acid position is conserved. In addition, this alteration is predicted to be deleterious by in silico analysis. Based on the available evidence, the clinical significance of this variant remains unclear.

Women's Health and Genetics/Laboratory Corporation of America, LabCorp
Classification: Uncertain significance. Last evaluated: 2026-02-27. Review status: criteria provided, single submitter. Criteria: LabCorp Variant Classification Summary - May 2015. Collection method: clinical testing. Allele origin: germline.
Comment: Variant summary: COL5A2 c.4171C>T (p.Arg1391Cys) results in a non-conservative amino acid change in the encoded protein sequence. Algorithms developed to predict the effect of missense changes on protein structure and function all suggest that this variant is likely to be disruptive. The variant allele was found at a frequency of 8e-06 in 251268 control chromosomes. The available data on variant occurrences in the general population are insufficient to allow any conclusion about variant significance. To our knowledge, no occurrence of c.4171C>T in individuals affected with COL5A2-related conditions and no experimental evidence demonstrating its impact on protein function have been reported. ClinVar contains an entry for this variant (Variation ID: 3628483). Based on the evidence outlined above, the variant was classified as uncertain significance.

Labcorp Genetics (formerly Invitae), Labcorp
Classification: Uncertain significance for Ehlers-Danlos syndrome, classic type, 1. Last evaluated: 2024-04-01. Review status: criteria provided, single submitter. Criteria: Invitae Variant Classification Sherloc (09022015). Collection method: clinical testing. Allele origin: germline.
Comment: This sequence change replaces arginine, which is basic and polar, with cysteine, which is neutral and slightly polar, at codon 1391 of the COL5A2 protein (p.Arg1391Cys). This variant is present in population databases (rs759098736, gnomAD 0.002%). This variant has not been reported in the literature in individuals affected with COL5A2-related conditions. Advanced modeling of protein sequence and biophysical properties (such as structural, functional, and spatial information, amino acid conservation, physicochemical variation, residue mobility, and thermodynamic stability) performed at Invitae indicates that this missense variant is expected to disrupt COL5A2 protein function with a positive predictive value of 80%. In summary, the available evidence is currently insufficient to determine the role of this variant in disease. Therefore, it has been classified as a Variant of Uncertain Significance.